The following is an entry in ClinVar:

ClinVar aggregate classification (germline): Pathogenic (1 of 4 stars; one submission).

Conditions:
Heterotaxy, visceral, 1, X-linked (HTX1). Also called: Laterality, X-linked; Visceral heterotaxia; DEXTROCARDIA WITH OTHER CARDIAC MALFORMATIONS; SITUS INVERSUS, COMPLEX CARDIAC DEFECTS, AND SPLENIC DEFECTS, X-LINKED. Identifiers: Orphanet 450, MedGen C1844020, MONDO:0010607, OMIM 306955.

Submission:

Labcorp Genetics (formerly Invitae), Labcorp
Classification: Pathogenic for Heterotaxy, visceral, 1, X-linked. Last evaluated: 2024-11-24. Review status: criteria provided, single submitter. Criteria: Invitae Variant Classification Sherloc (09022015). Collection method: clinical testing. Allele origin: germline.
Comment: This sequence change creates a premature translational stop signal (p.Trp255*) in the ZIC3 gene. It is expected to result in an absent or disrupted protein product. Loss-of-function variants in ZIC3 are known to be pathogenic (PMID: 24123890). This variant is not present in population databases (gnomAD no frequency). This variant has not been reported in the literature in individuals affected with ZIC3-related conditions. For these reasons, this variant has been classified as Pathogenic.

Literature cited by the submitters: PubMed 24123890.

NM_003413.4(ZIC3):c.764G>A (p.Trp255Ter)

Gene: ZIC3 (Zic family zinc finger 3; plus strand). Cytogenetic location: Xq26.3.
Variant type: single nucleotide variant.
Coding change: c.764G>A on transcript NM_003413.4 (MANE Select); coding-DNA position 764, G replaced by A.
Protein change: p.Trp255Ter; replaces tryptophan 255 with a stop codon.
Molecular consequence: nonsense.
Genome position (GRCh38, 1-based): chrX:137,567,455, G>A. VCF-style: chrX-137567455-G-A. GRCh37 (hg19) VCF-style: chrX-136649614-G-A.
Other names: c.764G>A, p.Trp255Ter (NM_001330661.1); short protein forms W255*.
Identifiers: ClinVar variation 3725958 (VCV003725958.2).
Genomic context (GRCh38, chrX:137,567,455, plus strand): 5'-GGCCCGGCGCCTTCTTCCGTTATATGCGGCAGCCTATCAAGCAGGAGCTGTCGTGCAAGT[G>A]GATCGACGAGGCTCAGCTGAGCCGGCCCAAGAAGAGCTGCGACCGGACCTTCAGCACCAT-3'